The following is an entry in ClinVar:

ClinVar aggregate classification (germline): Pathogenic. Review status: criteria provided, multiple submitters, no conflicts (2 of 4 stars). 3 submissions from 3 submitters: Pathogenic (3). Last evaluated 2025-11-21.

Conditions:
Hereditary cancer-predisposing syndrome. Also called: Hereditary Cancer Syndrome; Neoplastic Syndromes, Hereditary; Tumor predisposition; Hereditary neoplastic syndrome. Identifiers: Orphanet 140162, MedGen C0027672, MeSH D009386, MONDO:0015356.
Neurofibromatosis, type 1 (NF1). Also called: NEUROFIBROMATOSIS, TYPE I, SOMATIC; VON RECKLINGHAUSEN DISEASE; Peripheral type neurofibromatosis; Neurofibromatosis, type I. Identifiers: Orphanet 636, MedGen C0027831, MONDO:0018975, OMIM 162200. Disease mechanism: loss of function.

Submissions (3):

Labcorp Genetics (formerly Invitae), Labcorp
Classification: Pathogenic for Neurofibromatosis, type 1. Last evaluated: 2025-11-21. Review status: criteria provided, single submitter. Criteria: Invitae Variant Classification Sherloc (09022015). Collection method: clinical testing. Allele origin: germline.
Comment: This sequence change creates a premature translational stop signal (p.Tyr235*) in the NF1 gene. It is expected to result in an absent or disrupted protein product. Loss-of-function variants in NF1 are known to be pathogenic (PMID: 10712197, 23913538). This variant is not present in population databases (gnomAD no frequency). This premature translational stop signal has been observed in individual(s) with clinical features of neurofibromatosis (PMID: 18546366). Invitae Evidence Modeling of clinical and family history, age, sex, and reported ancestry of multiple individuals with this NF1 variant has been performed. This variant is expected to be pathogenic with a positive predictive value of at least 99%. This is a validated machine learning model that incorporates the clinical features of 1,785,918 individuals referred to our laboratory for NF1 testing. ClinVar contains an entry for this variant (Variation ID: 186943). For these reasons, this variant has been classified as Pathogenic.

Ambry Genetics
Classification: Pathogenic for Hereditary cancer-predisposing syndrome. Last evaluated: 2014-10-26. Review status: criteria provided, single submitter. Criteria: Ambry Autosomal Dominant and X-Linked criteria (10/2015). Collection method: clinical testing. Allele origin: germline. Observed: 1 variant allele.
Comment: The p.Y235* pathogenic mutation (also known as c.705C>G) located in coding exon 7 of the NF1 gene, results from a C to G substitution at nucleotide position 705. This changes the amino acid from a tyrosine to a stop codon within coding exon 7. This alteration has previously been identified in individuals with clinical features consistent with neurofibromatosis type 1 (NF1) (<span style="background-color: initial;">Pros E, Hum. Mutat. 2008 Sep; 29(9):E173-93; Pasmant E, Eur. J. Hum. Genet. 2014 Jul).<span style="background-color: initial;">In addition to the clinical data presented in the literature, since<span style="background-color: initial;">premature stop codons are typically deleterious in nature, this alteration is interpreted as a disease-causing mutation (ACMG Recommendations for Standards for Interpretation and Reporting of Sequence Variations. Revision 2007. Genet Med. 2008;10:294).

Suma Genomics
Classification: Pathogenic for Neurofibromatosis, type 1. Review status: criteria provided, single submitter. Criteria: ACMG Guidelines, 2015. Collection method: clinical testing. Allele origin: unknown. Inheritance: Autosomal dominant inheritance. Affected: yes.

Literature cited by the submitters: PubMed 10712197 (cited by Labcorp Genetics (formerly Invitae), Labcorp); PubMed 23913538 (cited by Labcorp Genetics (formerly Invitae), Labcorp); PubMed 18546366 (cited by Labcorp Genetics (formerly Invitae), Labcorp and Ambry Genetics); PubMed 25074460 (cited by Ambry Genetics).

NM_001042492.3(NF1):c.705C>G (p.Tyr235Ter)

Gene: NF1 (neurofibromin 1; plus strand). Cytogenetic location: 17q11.2.
Variant type: single nucleotide variant.
Coding change: c.705C>G on transcript NM_001042492.3 (MANE Select); coding-DNA position 705, C replaced by G.
Protein change: p.Tyr235Ter; replaces tyrosine 235 with a stop codon.
Molecular consequence: nonsense.
Genome position (GRCh38, 1-based): chr17:31,181,760, C>G. VCF-style: chr17-31181760-C-G. GRCh37 (hg19) VCF-style: chr17-29508778-C-G.
Other names: c.705C>G, p.Tyr235Ter (NM_000267.4, NM_001128147.3); short protein forms Y235*.
Identifiers: ClinVar variation 186943 (VCV000186943.9), dbSNP rs769048538, ClinGen allele CA196302.